The following is an entry in ClinVar:

NM_021922.3(FANCE):c.991C>G (p.Leu331Val)

Gene: FANCE (FA complementation group E; plus strand). Cytogenetic location: 6p21.31.
Variant type: single nucleotide variant.
Coding change: c.991C>G on transcript NM_021922.3 (MANE Select); coding-DNA position 991, C replaced by G.
Protein change: p.Leu331Val; replaces leucine 331 with valine.
Molecular consequence: missense variant.
Genome position (GRCh38, 1-based): chr6:35,458,318, C>G. VCF-style: chr6-35458318-C-G. GRCh37 (hg19) VCF-style: chr6-35426095-C-G.
Other names: short protein forms L331V.
Identifiers: ClinVar variation 1016602 (VCV001016602.10), dbSNP rs45468994, ClinGen allele CA137300262.
Genomic context (GRCh38, chr6:35,458,318, plus strand): 5'-TGTCCCGGTGTCCTCTCTCCCCCCGCACTCTGTAAGCAGATGGACTTGCTGTGTGCCCAG[C>G]TGCAGCTCCCTCAGCTCTCAGACCTCGGTCTCCTGCGGCTCTGCACCTGGCTGCTGGCCC-3'
Protein context (NP_068741.1, residues 321-341): PSQMDLLCAQ[Leu331Val]QLPQLSDLGL

ClinVar aggregate classification (germline): Uncertain significance. Review status: criteria provided, multiple submitters, no conflicts (2 of 4 stars). 2 submissions from 2 submitters: Uncertain significance (2). Last evaluated 2025-09-01.

Conditions:
Fanconi anemia complementation group E (FANCE). Also called: FANCE-Related Fanconi Anemia. Identifiers: Orphanet 84, MedGen C3160739, MONDO:0010953, OMIM 600901.

Allele frequency attached by ClinVar (database versions not stated): gnomAD exomes below 0.00001 and 0.00002; gnomAD 0.00001; 1000 Genomes Project 30x 0.00016; 1000 Genomes Project 0.00020.
gnomAD v4.1: 36 of 1,614,080 alleles (0.0022%); highest among the groups gnomAD compares: East Asian, 0.08%; no homozygotes.

Submissions (2):

Labcorp Genetics (formerly Invitae), Labcorp
Classification: Uncertain significance for Fanconi anemia complementation group E. Last evaluated: 2025-09-01. Review status: criteria provided, single submitter. Criteria: Invitae Variant Classification Sherloc (09022015). Collection method: clinical testing. Allele origin: germline.
Comment: This sequence change replaces leucine, which is neutral and non-polar, with valine, which is neutral and non-polar, at codon 331 of the FANCE protein (p.Leu331Val). This variant is not present in population databases (gnomAD no frequency). This variant has not been reported in the literature in individuals affected with FANCE-related conditions. ClinVar contains an entry for this variant (Variation ID: 1016602). Invitae Evidence Modeling of protein sequence and biophysical properties (such as structural, functional, and spatial information, amino acid conservation, physicochemical variation, residue mobility, and thermodynamic stability) indicates that this missense variant is expected to disrupt FANCE protein function with a positive predictive value of 80%. Algorithms developed to predict the effect of sequence changes on RNA splicing suggest that this variant may disrupt the consensus splice site. In summary, the available evidence is currently insufficient to determine the role of this variant in disease. Therefore, it has been classified as a Variant of Uncertain Significance.

Blueprint Genetics
Classification: Uncertain significance. Last evaluated: 2023-07-27. Review status: criteria provided, single submitter. Criteria: ACMG Guidelines, 2015. Collection method: clinical testing. Allele origin: germline.